The following is an entry in ClinVar:

ClinVar aggregate classification (germline): Uncertain significance (1 of 4 stars; one submission).

Conditions:
Dilated cardiomyopathy 1DD (CMD1DD). Identifiers: Orphanet 154, MedGen C2750995, MONDO:0013168, OMIM 613172.

Submission:

Labcorp Genetics (formerly Invitae), Labcorp
Classification: Uncertain significance for Dilated cardiomyopathy 1DD. Last evaluated: 2024-09-12. Review status: criteria provided, single submitter. Criteria: Invitae Variant Classification Sherloc (09022015). Collection method: clinical testing. Allele origin: germline.
Comment: This sequence change replaces tyrosine, which is neutral and polar, with aspartic acid, which is acidic and polar, at codon 563 of the RBM20 protein (p.Tyr563Asp). This variant is not present in population databases (gnomAD no frequency). This variant has not been reported in the literature in individuals affected with RBM20-related conditions. Invitae Evidence Modeling of protein sequence and biophysical properties (such as structural, functional, and spatial information, amino acid conservation, physicochemical variation, residue mobility, and thermodynamic stability) indicates that this missense variant is not expected to disrupt RBM20 protein function with a negative predictive value of 95%. In summary, the available evidence is currently insufficient to determine the role of this variant in disease. Therefore, it has been classified as a Variant of Uncertain Significance.

NM_001134363.3(RBM20):c.1687T>G (p.Tyr563Asp)

Gene: RBM20 (RNA binding motif protein 20; plus strand). Cytogenetic location: 10q25.2.
Variant type: single nucleotide variant.
Coding change: c.1687T>G on transcript NM_001134363.3 (MANE Select); coding-DNA position 1687, T replaced by G.
Protein change: p.Tyr563Asp; replaces tyrosine 563 with aspartic acid.
Molecular consequence: missense variant.
Genome position (GRCh38, 1-based): chr10:110,799,805, T>G. VCF-style: chr10-110799805-T-G. GRCh37 (hg19) VCF-style: chr10-112559563-T-G.
Other names: short protein forms Y563D.
Identifiers: ClinVar variation 3636967 (VCV003636967.2).